The following is an entry in ClinVar:

NM_001081550.2(THOC2):c.2210A>G (p.Asp737Gly)

Gene: THOC2 (THO complex subunit 2; minus strand). Cytogenetic location: Xq25.
Variant type: single nucleotide variant.
Coding change: c.2210A>G on transcript NM_001081550.2 (MANE Select); coding-DNA position 2210, A replaced by G.
Protein change: p.Asp737Gly; replaces aspartic acid 737 with glycine.
Molecular consequence: missense variant.
Genome position (GRCh38, 1-based): chrX:123,632,967, T>C on the plus strand (A>G on the coding strand, the complement: THOC2 is on the minus strand). VCF-style: chrX-123632967-T-C. GRCh37 (hg19) VCF-style: chrX-122766818-T-C.
Other names: short protein forms D737G.
Identifiers: ClinVar variation 1801905 (VCV001801905.1), dbSNP rs2521190540, ClinGen allele CA414267940.

ClinVar aggregate classification (germline): Uncertain significance (1 of 4 stars; one submission).

Submission:

GeneDx
Classification: Uncertain significance. Last evaluated: 2022-06-02. Review status: criteria provided, single submitter. Criteria: GeneDx Variant Classification Process June 2021. Collection method: clinical testing. Allele origin: germline. Affected: yes.
Comment: Not observed at significant frequency in large population cohorts (gnomAD); In silico analysis supports that this missense variant has a deleterious effect on protein structure/function; Has not been previously published as pathogenic or benign to our knowledge